The following is an entry in ClinVar:

ClinVar aggregate classification (germline): Uncertain significance (1 of 4 stars; one submission).

Conditions:
Spondyloepiphyseal dysplasia with congenital joint dislocations (SEDCJD). Also called: Chondrodysplasia with Congenital Joint Dislocations, CHST3-Related. Identifiers: Orphanet 263463, MedGen C1837657, MONDO:0007738, OMIM 143095.

Allele frequency attached by ClinVar (database versions not stated): gnomAD exomes below 0.00001.
gnomAD v4.1: 2 of 1,584,882 alleles (0.00013%); highest among the groups gnomAD compares: South Asian, 0.0023%; no homozygotes.

Submission:

Labcorp Genetics (formerly Invitae), Labcorp
Classification: Uncertain significance for Spondyloepiphyseal dysplasia with congenital joint dislocations. Last evaluated: 2022-07-10. Review status: criteria provided, single submitter. Criteria: Invitae Variant Classification Sherloc (09022015). Collection method: clinical testing. Allele origin: germline.
Comment: This sequence change replaces serine, which is neutral and polar, with proline, which is neutral and non-polar, at codon 422 of the CHST3 protein (p.Ser422Pro). In summary, the available evidence is currently insufficient to determine the role of this variant in disease. Therefore, it has been classified as a Variant of Uncertain Significance. Algorithms developed to predict the effect of missense changes on protein structure and function are either unavailable or do not agree on the potential impact of this missense change (SIFT: "Tolerated"; PolyPhen-2: "Probably Damaging"; Align-GVGD: "Class C0"). This variant has not been reported in the literature in individuals affected with CHST3-related conditions. This variant is not present in population databases (gnomAD no frequency).

NM_004273.5(CHST3):c.1264T>C (p.Ser422Pro)

Gene: CHST3 (carbohydrate sulfotransferase 3; plus strand). Cytogenetic location: 10q22.1.
Variant type: single nucleotide variant.
Coding change: c.1264T>C on transcript NM_004273.5 (MANE Select); coding-DNA position 1264, T replaced by C.
Protein change: p.Ser422Pro; replaces serine 422 with proline.
Molecular consequence: missense variant.
Genome position (GRCh38, 1-based): chr10:72,008,295, T>C. VCF-style: chr10-72008295-T-C. GRCh37 (hg19) VCF-style: chr10-73768053-T-C.
Other names: short protein forms S422P.
Identifiers: ClinVar variation 2015793 (VCV002015793.4), dbSNP rs2494774145, ClinGen allele CA377151990.